The following is an entry in ClinVar:

NM_000540.3(RYR1):c.3178A>T (p.Ser1060Cys)

Gene: RYR1 (ryanodine receptor 1; plus strand). Cytogenetic location: 19q13.2.
Variant type: single nucleotide variant.
Coding change: c.3178A>T on transcript NM_000540.3 (MANE Select); coding-DNA position 3178, A replaced by T.
Protein change: p.Ser1060Cys; replaces serine 1060 with cysteine.
Molecular consequence: missense variant.
Genome position (GRCh38, 1-based): chr19:38,466,398, A>T. VCF-style: chr19-38466398-A-T. GRCh37 (hg19) VCF-style: chr19-38957038-A-T.
Other names: c.3178A>T, p.Ser1060Cys (NM_001042723.2); short protein forms S1060C.
Identifiers: ClinVar variation 576590 (VCV000576590.8), dbSNP rs1568462217, ClinGen allele CA405636039.

ClinVar aggregate classification (germline): Uncertain significance (1 of 4 stars; one submission).

Conditions:
RYR1-related disorder. Also called: RYR1-related disorders; RYR1-related condition. Identifiers: MedGen CN239331.

Allele frequency attached by ClinVar (database versions not stated): gnomAD exomes below 0.00001.
gnomAD v4.1: 2 of 1,544,914 alleles (0.00013%); highest among the groups gnomAD compares: East Asian, 0.0049%; no homozygotes.

Submission:

Labcorp Genetics (formerly Invitae), Labcorp
Classification: Uncertain significance for RYR1-related disorder. Last evaluated: 2022-08-16. Review status: criteria provided, single submitter. Criteria: Invitae Variant Classification Sherloc (09022015). Collection method: clinical testing. Allele origin: germline.
Comment: In summary, the available evidence is currently insufficient to determine the role of this variant in disease. Therefore, it has been classified as a Variant of Uncertain Significance. Algorithms developed to predict the effect of missense changes on protein structure and function are either unavailable or do not agree on the potential impact of this missense change (SIFT: "Deleterious"; PolyPhen-2: "Possibly Damaging"; Align-GVGD: "Class C0"). This sequence change replaces serine, which is neutral and polar, with cysteine, which is neutral and slightly polar, at codon 1060 of the RYR1 protein (p.Ser1060Cys). This variant is not present in population databases (gnomAD no frequency). This variant has not been reported in the literature in individuals affected with RYR1-related conditions. ClinVar contains an entry for this variant (Variation ID: 576590).